The following is an entry in ClinVar:

ClinVar aggregate classification (germline): Likely benign (1 of 4 stars; one submission).

gnomAD v4.1: 5,946 of 1,613,816 alleles (0.37%); highest among the groups gnomAD compares: Admixed American, 0.53%; 11 homozygotes.

Submission:

CeGaT Center for Human Genetics Tuebingen
Classification: Likely benign. Last evaluated: 2026-03-01. Review status: criteria provided, single submitter. Criteria: CeGaT Center For Human Genetics Tuebingen Variant Classification Criteria Version 2. Collection method: clinical testing. Allele origin: germline. Affected: yes. Observed: 2 variant alleles.
Comment: TRPM7: BP4, BP7

NM_017672.6(TRPM7):c.684A>G (p.Leu228=)

Gene: TRPM7 (transient receptor potential cation channel subfamily M member 7; minus strand). Cytogenetic location: 15q21.2.
Variant type: single nucleotide variant.
Coding change: c.684A>G on transcript NM_017672.6 (MANE Select); coding-DNA position 684, A replaced by G.
Protein change: p.Leu228=; no amino-acid change (leucine 228 retained).
Molecular consequence: synonymous variant. On other transcripts: non-coding transcript variant (3).
Genome position (GRCh38, 1-based): chr15:50,637,570, T>C on the plus strand (A>G on the coding strand, the complement: TRPM7 is on the minus strand). VCF-style: chr15-50637570-T-C. GRCh37 (hg19) VCF-style: chr15-50929767-T-C.
Other names: c.684A>G, p.Leu228= (NM_001301212.2).
Identifiers: ClinVar variation 4820758 (VCV004820758.4).